The following is an entry in ClinVar:

NM_001458.5(FLNC):c.6305C>G (p.Pro2102Arg)

Genes: FLNC (filamin C; plus strand), FLNC-AS1 (FLNC antisense RNA 1; minus strand). Cytogenetic location: 7q32.1.
Variant type: single nucleotide variant.
Coding change: c.6305C>G on transcript NM_001458.5 (MANE Select); coding-DNA position 6305, C replaced by G.
Protein change: p.Pro2102Arg; replaces proline 2102 with arginine.
Molecular consequence: missense variant.
Genome position (GRCh38, 1-based): chr7:128,853,565, C>G. VCF-style: chr7-128853565-C-G. GRCh37 (hg19) VCF-style: chr7-128493619-C-G.
Other names: c.6206C>G, p.Pro2069Arg (NM_001127487.2); short protein forms P2069R, P2102R.
Identifiers: ClinVar variation 4812435 (VCV004812435.1).

ClinVar aggregate classification (germline): Uncertain significance (1 of 4 stars; one submission).

Conditions:
Hypertrophic cardiomyopathy 26. Also called: Cardiomyopathy, familial hypertrophic, 26. Identifiers: Orphanet 75249, MedGen C4310749, MONDO:0014883, OMIM 617047.
Myofibrillar myopathy 5. Also called: Filaminopathy (type); FILAMINOPATHY, AUTOSOMAL DOMINANT. Identifiers: Orphanet 171445, MedGen C1836050, MONDO:0012289, OMIM 609524.
Distal myopathy with posterior leg and anterior hand involvement. Also called: WILLIAMS DISTAL MYOPATHY. Identifiers: Orphanet 63273, MedGen C3279722, MONDO:0013550, OMIM 614065.

Submission:

Labcorp Genetics (formerly Invitae), Labcorp
Classification: Uncertain significance for Distal myopathy with posterior leg and anterior hand involvement; Myofibrillar myopathy 5; Hypertrophic cardiomyopathy 26. Last evaluated: 2025-12-22. Review status: criteria provided, single submitter. Criteria: Invitae Variant Classification Sherloc (09022015). Collection method: clinical testing. Allele origin: germline.
Comment: This sequence change replaces proline, which is neutral and non-polar, with arginine, which is basic and polar, at codon 2102 of the FLNC protein (p.Pro2102Arg). This variant is not present in population databases (gnomAD no frequency). This variant has not been reported in the literature in individuals affected with FLNC-related conditions. Invitae Evidence Modeling of protein sequence and biophysical properties (such as structural, functional, and spatial information, amino acid conservation, physicochemical variation, residue mobility, and thermodynamic stability) has been performed for this missense variant. However, the output from this modeling did not meet the statistical confidence thresholds required to predict the impact of this variant on FLNC protein function. In summary, the available evidence is currently insufficient to determine the role of this variant in disease. Therefore, it has been classified as a Variant of Uncertain Significance.